The following is an entry in ClinVar:

ClinVar aggregate classification (germline): Uncertain significance. Review status: criteria provided, multiple submitters, no conflicts (2 of 4 stars). 2 submissions from 2 submitters: Uncertain significance (2). Last evaluated 2022-11-11.

Conditions:
Inborn genetic diseases. Identifiers: MedGen C0950123, MeSH D030342.

Allele frequency attached by ClinVar (database versions not stated): TOPMed 0.00001.
gnomAD v4.1: 2 of 1,176,222 alleles (0.00017%); highest among the groups gnomAD compares: Non-Finnish European, 0.00023%; no homozygotes.

Submissions (2):

GeneDx
Classification: Uncertain significance. Last evaluated: 2022-11-11. Review status: criteria provided, single submitter. Criteria: GeneDx Variant Classification Process June 2021. Collection method: clinical testing. Allele origin: germline. Affected: yes.
Comment: Not observed at significant frequency in large population cohorts (gnomAD); In silico analysis supports that this missense variant has a deleterious effect on protein structure/function; Has not been previously published as pathogenic or benign to our knowledge; This variant is associated with the following publications: (PMID: 27535533, 8789445, 18936162)

Ambry Genetics
Classification: Uncertain significance for Inborn genetic diseases. Last evaluated: 2018-04-26. Review status: criteria provided, single submitter. Criteria: Ambry Variant Classification Scheme 2023. Collection method: clinical testing. Allele origin: germline.
Comment: The p.G397S variant (also known as c.1189G>A) is located in coding exon 13 of the FMR1 gene. The glycine at codon 397 is replaced by serine, an amino acid with similar properties. This change occurs in the first base pair of coding exon 13. This amino acid position is highly conserved in available vertebrate species. In addition, the in silico prediction for this alteration is inconclusive. Since supporting evidence is limited at this time, the clinical significance of this alteration remains unclear.

NM_002024.6(FMR1):c.1189G>A (p.Gly397Ser)

Gene: FMR1 (fragile X messenger ribonucleoprotein 1; plus strand). Cytogenetic location: Xq27.3.
Variant type: single nucleotide variant.
Coding change: c.1189G>A on transcript NM_002024.6 (MANE Select); coding-DNA position 1189, G replaced by A.
Protein change: p.Gly397Ser; replaces glycine 397 with serine.
Molecular consequence: missense variant. On other transcripts: non-coding transcript variant (2).
Genome position (GRCh38, 1-based): chrX:147,940,576, G>A. VCF-style: chrX-147940576-G-A. GRCh37 (hg19) VCF-style: chrX-147022095-G-A.
Other names: c.1189G>A, p.Gly397Ser (NM_001185075.2); c.1126G>A, p.Gly376Ser (NM_001185076.2, NM_001185081.2, NM_001185082.2); short protein forms G397S, G376S.
Identifiers: ClinVar variation 1744341 (VCV001744341.3), dbSNP rs2043968820, ClinGen allele CA414443867.